The following is an entry in ClinVar:

ClinVar aggregate classification (germline): Pathogenic (1 of 4 stars; one submission).

Submission:

Labcorp Genetics (formerly Invitae), Labcorp
Classification: Pathogenic. Last evaluated: 2021-03-28. Review status: criteria provided, single submitter. Criteria: Invitae Variant Classification Sherloc (09022015). Collection method: clinical testing. Allele origin: germline.
Comment: For these reasons, this variant has been classified as Pathogenic. This variant has not been reported in the literature in individuals with CNGB3-related conditions. A gross deletion of the genomic region encompassing the full coding sequence of the CNGB3 gene has been identified. Loss-of-function variants in CNGB3 are known to be pathogenic (PMID: 28795510). The boundaries of this event are unknown as they extend beyond the assayed region for this gene and therefore may encompass additional genes.

Literature cited by the submitters: PubMed 28795510.

NC_000008.10:g.(?_87588022)_(87755865_?)del

Gene: CNGB3 (cyclic nucleotide gated channel subunit beta 3; minus strand). Cytogenetic location: 8q21.3.
Variant type: Deletion.
Identifiers: ClinVar variation 1460334 (VCV001460334.4).